The following is an entry in ClinVar:

NM_001369268.1(ACAN):c.6764C>G (p.Thr2255Ser)

Gene: ACAN (aggrecan; plus strand). Cytogenetic location: 15q26.1.
Variant type: single nucleotide variant.
Coding change: c.6764C>G on transcript NM_001369268.1 (MANE Select); coding-DNA position 6764, C replaced by G.
Protein change: p.Thr2255Ser; replaces threonine 2255 with serine.
Molecular consequence: missense variant.
Genome position (GRCh38, 1-based): chr15:88,859,349, C>G. VCF-style: chr15-88859349-C-G. GRCh37 (hg19) VCF-style: chr15-89402580-C-G.
Other names: c.6764C>G, p.Thr2255Ser (NM_001135.4, NM_013227.4); c.6764C>G (NM_013227.3); short protein forms T2255S.
Identifiers: ClinVar variation 498168 (VCV000498168.8), dbSNP rs372788256, ClinGen allele CA7720483.

ClinVar aggregate classification (germline): Uncertain significance. Review status: criteria provided, multiple submitters, no conflicts (2 of 4 stars). 3 submissions from 3 submitters: Uncertain significance (3). Last evaluated 2024-09-04.

Conditions:
Inborn genetic diseases. Identifiers: MedGen C0950123, MeSH D030342.

Allele frequency attached by ClinVar (database versions not stated): gnomAD exomes 0.00007; ExAC 0.00010; gnomAD 0.00022 and 0.00025; ESP Exome Variant Server 0.00024; TOPMed 0.00026.
gnomAD v4.1: 64 of 1,599,220 alleles (0.004%); highest among the groups gnomAD compares: African/African-American, 0.076%; no homozygotes.

Submissions (3):

Women's Health and Genetics/Laboratory Corporation of America, LabCorp
Classification: Uncertain significance. Last evaluated: 2024-09-04. Review status: criteria provided, single submitter. Criteria: LabCorp Variant Classification Summary - May 2015. Collection method: clinical testing. Allele origin: germline.
Comment: Variant summary: ACAN c.6764C>G (p.Thr2255Ser) results in a conservative amino acid change in the encoded protein sequence. Four of five in-silico tools predict a benign effect of the variant on protein function. The variant allele was found at a frequency of 7.3e-05 in 219372 control chromosomes. This frequency is not significantly higher than estimated for a pathogenic variant in ACAN causing ACAN-Related Disorders, allowing no conclusion about variant significance. To our knowledge, no occurrence of c.6764C>G in individuals affected with ACAN-Related Disorders and no experimental evidence demonstrating its impact on protein function have been reported. ClinVar contains an entry for this variant (Variation ID: 498168). Based on the evidence outlined above, the variant was classified as uncertain significance.

Ambry Genetics
Classification: Uncertain significance for Inborn genetic diseases. Last evaluated: 2024-01-16. Review status: criteria provided, single submitter. Criteria: Ambry Variant Classification Scheme 2023. Collection method: clinical testing. Allele origin: germline.

Eurofins Ntd Llc (ga)
Classification: Uncertain significance. Last evaluated: 2016-10-28. Review status: criteria provided, single submitter. Criteria: EGL Classification Definitions 2015. Collection method: clinical testing. Allele origin: germline. Observed: 1 variant allele, 1 heterozygote.